The following is an entry in ClinVar:

NM_005032.7(PLS3):c.194A>C (p.Asp65Ala)

Gene: PLS3 (plastin 3; plus strand). Cytogenetic location: Xq23.
Variant type: single nucleotide variant.
Coding change: c.194A>C on transcript NM_005032.7 (MANE Select); coding-DNA position 194, A replaced by C.
Protein change: p.Asp65Ala; replaces aspartic acid 65 with alanine.
Molecular consequence: missense variant. On other transcripts: intron variant (1).
Genome position (GRCh38, 1-based): chrX:115,622,366, A>C. VCF-style: chrX-115622366-A-C. GRCh37 (hg19) VCF-style: chrX-114856678-A-C.
Other names: c.194A>C, p.Asp65Ala (NM_001136025.5); c.128A>C, p.Asp43Ala (NM_001282337.2); c.59A>C, p.Asp20Ala (NM_001282338.2); c.156+38A>C (NM_001172335.3); short protein forms D65A, D20A, D43A.
Identifiers: ClinVar variation 1935049 (VCV001935049.5), dbSNP rs373153000, ClinGen allele CA10496842.

ClinVar aggregate classification (germline): Uncertain significance (1 of 4 stars; one submission).

Allele frequency attached by ClinVar (database versions not stated): gnomAD exomes 0.00001; ExAC 0.00003; TOPMed 0.00003; gnomAD 0.00008; ESP Exome Variant Server 0.00009; 1000 Genomes Project 0.00026; 1000 Genomes Project 30x 0.00042.
gnomAD v4.1: 18 of 1,194,143 alleles (0.0015%); highest among the groups gnomAD compares: African/African-American, 0.016%; no homozygotes.

Submission:

Labcorp Genetics (formerly Invitae), Labcorp
Classification: Uncertain significance. Last evaluated: 2026-01-05. Review status: criteria provided, single submitter. Criteria: Invitae Variant Classification Sherloc (09022015). Collection method: clinical testing. Allele origin: germline.
Comment: This sequence change replaces aspartic acid, which is acidic and polar, with alanine, which is neutral and non-polar, at codon 65 of the PLS3 protein (p.Asp65Ala). This variant is present in population databases (rs373153000, gnomAD 0.03%). This variant has not been reported in the literature in individuals affected with PLS3-related conditions. ClinVar contains an entry for this variant (Variation ID: 1935049). Invitae Evidence Modeling of protein sequence and biophysical properties (such as structural, functional, and spatial information, amino acid conservation, physicochemical variation, residue mobility, and thermodynamic stability) indicates that this missense variant is not expected to disrupt PLS3 protein function with a negative predictive value of 80%. In summary, the available evidence is currently insufficient to determine the role of this variant in disease. Therefore, it has been classified as a Variant of Uncertain Significance.